The following is an entry in ClinVar:

ClinVar aggregate classification (germline): Uncertain significance (1 of 4 stars; one submission).

Conditions:
Progressive sclerosing poliodystrophy (MTDPS4A). Also called: ALPERS PROGRESSIVE INFANTILE POLIODYSTROPHY; NEURONAL DEGENERATION OF CHILDHOOD WITH LIVER DISEASE, PROGRESSIVE; Alpers Syndrome; ALPERS DIFFUSE DEGENERATION OF CEREBRAL GRAY MATTER WITH HEPATIC CIRRHOSIS; Alpers-Huttenlocher Syndrome; Mitochondrial DNA depletion syndrome 4A (Alpers type). Identifiers: Orphanet 726, MedGen C0205710, MONDO:0008758, OMIM 203700.

gnomAD v4.1: 10 of 1,614,118 alleles (0.00062%); highest among the groups gnomAD compares: Non-Finnish European, 0.00076%; no homozygotes.

Submission:

Labcorp Genetics (formerly Invitae), Labcorp
Classification: Uncertain significance for Progressive sclerosing poliodystrophy. Last evaluated: 2025-07-02. Review status: criteria provided, single submitter. Criteria: Invitae Variant Classification Sherloc (09022015). Collection method: clinical testing. Allele origin: germline.
Comment: This sequence change replaces glutamine, which is neutral and polar, with proline, which is neutral and non-polar, at codon 472 of the POLG protein (p.Gln472Pro). This variant is present in population databases (no rsID available, gnomAD 0.007%). This variant has not been reported in the literature in individuals affected with POLG-related conditions. ClinVar contains an entry for this variant (Variation ID: 3607448). Invitae Evidence Modeling of protein sequence and biophysical properties (such as structural, functional, and spatial information, amino acid conservation, physicochemical variation, residue mobility, and thermodynamic stability) has been performed for this missense variant. However, the output from this modeling did not meet the statistical confidence thresholds required to predict the impact of this variant on POLG protein function. In summary, the available evidence is currently insufficient to determine the role of this variant in disease. Therefore, it has been classified as a Variant of Uncertain Significance.

NM_002693.3(POLG):c.1415A>C (p.Gln472Pro)

Gene: POLG (DNA polymerase gamma, catalytic subunit; minus strand). Cytogenetic location: 15q26.1.
Variant type: single nucleotide variant.
Coding change: c.1415A>C on transcript NM_002693.3 (MANE Select); coding-DNA position 1415, A replaced by C.
Protein change: p.Gln472Pro; replaces glutamine 472 with proline.
Molecular consequence: missense variant.
Genome position (GRCh38, 1-based): chr15:89,327,185, T>G on the plus strand (A>C on the coding strand, the complement: POLG is on the minus strand). VCF-style: chr15-89327185-T-G. GRCh37 (hg19) VCF-style: chr15-89870416-T-G.
Other names: c.1415A>C, p.Gln472Pro (NM_001126131.2); short protein forms Q472P.
Identifiers: ClinVar variation 3607448 (VCV003607448.2).